The following is an entry in ClinVar:

NM_005618.4(DLL1):c.1951G>A (p.Asp651Asn)

Genes: DLL1 (delta like canonical Notch ligand 1; minus strand), LOC126859913 (P300/CBP strongly-dependent group 1 enhancer GRCh37_chr6:170591232-170592431; plus strand). Cytogenetic location: 6q27.
Variant type: single nucleotide variant.
Coding change: c.1951G>A on transcript NM_005618.4 (MANE Select); coding-DNA position 1951, G replaced by A.
Protein change: p.Asp651Asn; replaces aspartic acid 651 with asparagine.
Molecular consequence: missense variant.
Genome position (GRCh38, 1-based): chr6:170,283,328, C>T on the plus strand (G>A on the coding strand, the complement: DLL1 is on the minus strand). VCF-style: chr6-170283328-C-T. GRCh37 (hg19) VCF-style: chr6-170592416-C-T.
Other names: c.1951G>A (NM_005618.3); short protein forms D651N.
Identifiers: ClinVar variation 2070237 (VCV002070237.6), dbSNP rs767441798, ClinGen allele CA4106674.

ClinVar aggregate classification (germline): Uncertain significance. Review status: criteria provided, multiple submitters, no conflicts (2 of 4 stars). 2 submissions from 2 submitters: Uncertain significance (2). Last evaluated 2023-05-23.

Conditions:
Inborn genetic diseases. Identifiers: MedGen C0950123, MeSH D030342.

Allele frequency attached by ClinVar (database versions not stated): ExAC 0.00002; gnomAD 0.00002; TOPMed 0.00003; gnomAD exomes 0.00001.
gnomAD v4.1: 11 of 1,612,916 alleles (0.00068%); highest among the groups gnomAD compares: African/African-American, 0.004%; no homozygotes.

Submissions (2):

Ambry Genetics
Classification: Uncertain significance for Inborn genetic diseases. Last evaluated: 2023-05-23. Review status: criteria provided, single submitter. Criteria: Ambry Variant Classification Scheme 2023. Collection method: clinical testing. Allele origin: germline.

Labcorp Genetics (formerly Invitae), Labcorp
Classification: Uncertain significance. Last evaluated: 2022-01-26. Review status: criteria provided, single submitter. Criteria: Invitae Variant Classification Sherloc (09022015). Collection method: clinical testing. Allele origin: germline.
Comment: This variant is present in population databases (rs767441798, gnomAD 0.02%). In summary, the available evidence is currently insufficient to determine the role of this variant in disease. Therefore, it has been classified as a Variant of Uncertain Significance. Algorithms developed to predict the effect of missense changes on protein structure and function (SIFT, PolyPhen-2, Align-GVGD) all suggest that this variant is likely to be tolerated. This variant has not been reported in the literature in individuals affected with DLL1-related conditions. This sequence change replaces aspartic acid, which is acidic and polar, with asparagine, which is neutral and polar, at codon 651 of the DLL1 protein (p.Asp651Asn).